The following is an entry in ClinVar:

NM_015352.2(POFUT1):c.502A>G (p.Ile168Val)

Gene: POFUT1 (protein O-fucosyltransferase 1; plus strand). Cytogenetic location: 20q11.21.
Variant type: single nucleotide variant.
Coding change: c.502A>G on transcript NM_015352.2 (MANE Select); coding-DNA position 502, A replaced by G.
Protein change: p.Ile168Val; replaces isoleucine 168 with valine.
Molecular consequence: missense variant.
Genome position (GRCh38, 1-based): chr20:32,216,681, A>G. VCF-style: chr20-32216681-A-G. GRCh37 (hg19) VCF-style: chr20-30804484-A-G.
Other names: c.502A>G, p.Ile168Val (NM_172236.2); short protein forms I168V.
Identifiers: ClinVar variation 4694346 (VCV004694346.1).
Genomic context (GRCh38, chr20:32,216,681, plus strand): 5'-TTTGGCCCATTCTGGGATCAGTTTCATGTGAGTTTCAACAAGTCGGAGCTTTTTACAGGC[A>G]TTTCCTTCAGTGCTTCCTACAGAGAACAATGGAGCCAGAGGTACTTGGAGGGGGTAGCGT-3'
Protein context (NP_056167.1, residues 158-178): SFNKSELFTG[Ile168Val]SFSASYREQW

ClinVar aggregate classification (germline): Uncertain significance (1 of 4 stars; one submission).

Conditions:
Dowling-Degos disease 2 (DDD2). Identifiers: Orphanet 79145, MedGen C3809147, MONDO:0014130, OMIM 615327.

gnomAD v4.1: 2 of 1,613,728 alleles (0.00012%); highest among the groups gnomAD compares: Non-Finnish European, 0.00017%; no homozygotes.

Submission:

Labcorp Genetics (formerly Invitae), Labcorp
Classification: Uncertain significance for Dowling-Degos disease 2. Last evaluated: 2025-03-13. Review status: criteria provided, single submitter. Criteria: Invitae Variant Classification Sherloc (09022015). Collection method: clinical testing. Allele origin: germline.
Comment: This sequence change replaces isoleucine, which is neutral and non-polar, with valine, which is neutral and non-polar, at codon 168 of the POFUT1 protein (p.Ile168Val). This variant is present in population databases (rs376664217, gnomAD 0.002%). This variant has not been reported in the literature in individuals affected with POFUT1-related conditions. An algorithm developed to predict the effect of missense changes on protein structure and function (PolyPhen-2) suggests that this variant is likely to be tolerated. In summary, the available evidence is currently insufficient to determine the role of this variant in disease. Therefore, it has been classified as a Variant of Uncertain Significance.